The following is an entry in ClinVar:

NM_021625.5(TRPV4):c.325G>C (p.Asp109His)

Gene: TRPV4 (transient receptor potential cation channel subfamily V member 4; minus strand). Cytogenetic location: 12q24.11.
Variant type: single nucleotide variant.
Coding change: c.325G>C on transcript NM_021625.5 (MANE Select); coding-DNA position 325, G replaced by C.
Protein change: p.Asp109His; replaces aspartic acid 109 with histidine.
Molecular consequence: missense variant.
Genome position (GRCh38, 1-based): chr12:109,814,472, C>G on the plus strand (G>C on the coding strand, the complement: TRPV4 is on the minus strand). VCF-style: chr12-109814472-C-G. GRCh37 (hg19) VCF-style: chr12-110252277-C-G.
Other names: c.325G>C, p.Asp109His (NM_001177428.2, NM_001177433.2, NM_147204.3); c.223G>C, p.Asp75His (NM_001177431.2); short protein forms D75H, D109H.
Identifiers: ClinVar variation 4767815 (VCV004767815.1).

ClinVar aggregate classification (germline): Uncertain significance (1 of 4 stars; one submission).

Conditions:
Charcot-Marie-Tooth disease axonal type 2C (HMSN2C). Also called: CHARCOT-MARIE-TOOTH DISEASE, AXONAL, AUTOSOMAL DOMINANT, TYPE 2C; Charcot-Marie-Tooth Neuropathy Type 2C; Charcot-Marie-Tooth Disease Type 2, TRPV4-Related (CMT2C). Identifiers: Orphanet 99937, MedGen C1853710, MONDO:0011633, OMIM 606071.

Submission:

Labcorp Genetics (formerly Invitae), Labcorp
Classification: Uncertain significance for Charcot-Marie-Tooth disease axonal type 2C. Last evaluated: 2025-03-01. Review status: criteria provided, single submitter. Criteria: Invitae Variant Classification Sherloc (09022015). Collection method: clinical testing. Allele origin: germline.
Comment: This sequence change replaces aspartic acid, which is acidic and polar, with histidine, which is basic and polar, at codon 109 of the TRPV4 protein (p.Asp109His). This variant is not present in population databases (gnomAD no frequency). This variant has not been reported in the literature in individuals affected with TRPV4-related conditions. Invitae Evidence Modeling of protein sequence and biophysical properties (such as structural, functional, and spatial information, amino acid conservation, physicochemical variation, residue mobility, and thermodynamic stability) has been performed for this missense variant. However, the output from this modeling did not meet the statistical confidence thresholds required to predict the impact of this variant on TRPV4 protein function. In summary, the available evidence is currently insufficient to determine the role of this variant in disease. Therefore, it has been classified as a Variant of Uncertain Significance.